The following is an entry in ClinVar:

ClinVar aggregate classification (germline): Benign (0 of 4 stars; one submission).

Conditions:
BACH2-related disorder. Also called: BACH2-related condition.

Allele frequency attached by ClinVar (database versions not stated): ESP Exome Variant Server 0.00008; gnomAD exomes 0.00017; TOPMed 0.00048; gnomAD 0.00050; ExAC 0.00090; 1000 Genomes Project 30x 0.00297; 1000 Genomes Project 0.00300.
gnomAD v4.1: 431 of 1,602,940 alleles (0.027%); highest among the groups gnomAD compares: East Asian, 0.63%; 10 homozygotes.

Submission:

PreventionGenetics, part of Exact Sciences
Classification: Benign for BACH2-related condition. Last evaluated: 2019-02-21. Review status: no assertion criteria provided. Collection method: clinical testing. Allele origin: germline.
Comment: This variant is classified as benign based on ACMG/AMP sequence variant interpretation guidelines (Richards et al. 2015 PMID: 25741868, with internal and published modifications).

NM_021813.4(BACH2):c.*10T>A

Gene: BACH2 (BTB domain and CNC homolog 2; minus strand). Cytogenetic location: 6q15.
Variant type: single nucleotide variant.
Coding change: c.*10T>A on transcript NM_021813.4 (MANE Select); 10 bases downstream of the stop codon, T replaced by A.
Molecular consequence: 3 prime UTR variant.
Genome position (GRCh38, 1-based): chr6:89,932,398, A>T on the plus strand (T>A on the coding strand, the complement: BACH2 is on the minus strand). VCF-style: chr6-89932398-A-T. GRCh37 (hg19) VCF-style: chr6-90642117-A-T.
Other names: c.*10T>A (NM_001170794.2).
Identifiers: ClinVar variation 3048364 (VCV003048364.2), dbSNP rs200166094, ClinGen allele CA3927770.
Genomic context (GRCh38, chr6:89,932,398, plus strand): 5'-CAGTGCCACAGGCTGACTGAAGAACGCCTGGATGGGAGAGGTGTGCGGACTGGGAGGCAG[A>T]GCCGAGTCACTAGGTATAATCTTTCCTGGGCTGTTCGTCAGTTGTACACTTATCAGTCAT-3'